The following is an entry in ClinVar:

NM_001453.3(FOXC1):c.962C>T (p.Pro321Leu)

Gene: FOXC1 (forkhead box C1; plus strand). Cytogenetic location: 6p25.3.
Variant type: single nucleotide variant.
Coding change: c.962C>T on transcript NM_001453.3 (MANE Select); coding-DNA position 962, C replaced by T.
Protein change: p.Pro321Leu; replaces proline 321 with leucine.
Molecular consequence: missense variant.
Genome position (GRCh38, 1-based): chr6:1,611,407, C>T. VCF-style: chr6-1611407-C-T. GRCh37 (hg19) VCF-style: chr6-1611642-C-T.
Other names: short protein forms P321L.
Identifiers: ClinVar variation 2892336 (VCV002892336.4), dbSNP rs754743917, ClinGen allele CA133390713.

ClinVar aggregate classification (germline): Uncertain significance. Review status: criteria provided, multiple submitters, no conflicts (2 of 4 stars). 2 submissions from 2 submitters: Uncertain significance (2). Last evaluated 2024-02-16.

Conditions:
Axenfeld-Rieger syndrome type 3 (RIEG3). Also called: AXENFELD-RIEGER ANOMALY WITH CARDIAC DEFECTS AND/OR SENSORINEURAL HEARING LOSS. Identifiers: Orphanet 782, MedGen C2678503, MONDO:0011233, OMIM 602482.
Anterior segment dysgenesis 3 (ASGD3). Also called: Glaucoma iridogoniodysplasia, familial; IRIDOGONIODYSGENESIS ANOMALY, AUTOSOMAL DOMINANT. Identifiers: Orphanet 91483, MedGen C5975707, MONDO:0024456, OMIM 601631.

gnomAD v4.1: 5 of 1,449,706 alleles (0.00034%); highest among the groups gnomAD compares: African/African-American, 0.0059%; no homozygotes.

Submissions (2):

Fulgent Genetics
Classification: Uncertain significance for Anterior segment dysgenesis 3; Axenfeld-Rieger syndrome type 3. Last evaluated: 2024-02-16. Review status: criteria provided, single submitter. Criteria: ACMG Guidelines, 2015. Collection method: clinical testing. Allele origin: germline.

Labcorp Genetics (formerly Invitae), Labcorp
Classification: Uncertain significance for Axenfeld-Rieger syndrome type 3. Last evaluated: 2023-06-12. Review status: criteria provided, single submitter. Criteria: Invitae Variant Classification Sherloc (09022015). Collection method: clinical testing. Allele origin: germline.
Comment: This sequence change replaces proline, which is neutral and non-polar, with leucine, which is neutral and non-polar, at codon 321 of the FOXC1 protein (p.Pro321Leu). In summary, the available evidence is currently insufficient to determine the role of this variant in disease. Therefore, it has been classified as a Variant of Uncertain Significance. An algorithm developed to predict the effect of missense changes on protein structure and function (PolyPhen-2) suggests that this variant is likely to be disruptive. This variant has not been reported in the literature in individuals affected with FOXC1-related conditions. This variant is not present in population databases (gnomAD no frequency).